The following is an entry in ClinVar:

NM_000748.3(CHRNB2):c.406G>A (p.Val136Met)

Gene: CHRNB2 (cholinergic receptor nicotinic beta 2 subunit; plus strand). Cytogenetic location: 1q21.3.
Variant type: single nucleotide variant.
Coding change: c.406G>A on transcript NM_000748.3 (MANE Select); coding-DNA position 406, G replaced by A.
Protein change: p.Val136Met; replaces valine 136 with methionine.
Molecular consequence: missense variant.
Genome position (GRCh38, 1-based): chr1:154,571,229, G>A. VCF-style: chr1-154571229-G-A. GRCh37 (hg19) VCF-style: chr1-154543705-G-A.
Other names: short protein forms V136M.
Identifiers: ClinVar variation 1379231 (VCV001379231.6), dbSNP rs763776515, ClinGen allele CA1130725.
Genomic context (GRCh38, chr1:154,571,229, plus strand): 5'-CTGTGCCCATCCTTTGGCAGTGCTGACGGCATGTACGAGGTGTCCTTCTATTCCAATGCC[G>A]TGGTCTCCTATGATGGCAGCATCTTCTGGCTGCCGCCTGCCATCTACAAGAGCGCATGCA-3'
Protein context (NP_000739.1, residues 126-146): MYEVSFYSNA[Val136Met]VSYDGSIFWL

ClinVar aggregate classification (germline): Uncertain significance (1 of 4 stars; one submission).

Conditions:
Familial sleep-related hypermotor epilepsy. Also called: Autosomal Dominant Sleep-Related Hypermotor (Hyperkinetic) Epilepsy. Identifiers: Orphanet 98784, MedGen C3696898, MONDO:0000030.

Allele frequency attached by ClinVar (database versions not stated): ExAC 0.00001; gnomAD 0.00001; gnomAD exomes 0.00001.

Submission:

Labcorp Genetics (formerly Invitae), Labcorp
Classification: Uncertain significance. Last evaluated: 2023-08-30. Review status: criteria provided, single submitter. Criteria: Invitae Variant Classification Sherloc (09022015). Collection method: clinical testing. Allele origin: germline.
Comment: ClinVar contains an entry for this variant (Variation ID: 1379231). This variant has not been reported in the literature in individuals affected with CHRNB2-related conditions. This variant is present in population databases (rs763776515, gnomAD 0.0009%). This sequence change replaces valine, which is neutral and non-polar, with methionine, which is neutral and non-polar, at codon 136 of the CHRNB2 protein (p.Val136Met). Advanced modeling of protein sequence and biophysical properties (such as structural, functional, and spatial information, amino acid conservation, physicochemical variation, residue mobility, and thermodynamic stability) performed at Invitae indicates that this missense variant is not expected to disrupt CHRNB2 protein function. In summary, the available evidence is currently insufficient to determine the role of this variant in disease. Therefore, it has been classified as a Variant of Uncertain Significance.